The following is an entry in ClinVar:

ClinVar aggregate classification (germline): Uncertain significance. Review status: criteria provided, multiple submitters, no conflicts (2 of 4 stars). 2 submissions from 2 submitters: Uncertain significance (2). Last evaluated 2025-10-20.

Allele frequency attached by ClinVar (database versions not stated): ExAC 0.00012; ESP Exome Variant Server 0.00015; TOPMed 0.00031; gnomAD 0.00032; gnomAD exomes 0.00034.
gnomAD v4.1: 541 of 1,580,692 alleles (0.034%); highest among the groups gnomAD compares: Non-Finnish European, 0.042%; no homozygotes.

Submissions (2):

Labcorp Genetics (formerly Invitae), Labcorp
Classification: Uncertain significance. Last evaluated: 2025-10-20. Review status: criteria provided, single submitter. Criteria: Invitae Variant Classification Sherloc (09022015). Collection method: clinical testing. Allele origin: germline.
Comment: This sequence change replaces arginine, which is basic and polar, with glutamine, which is neutral and polar, at codon 485 of the KANK2 protein (p.Arg485Gln). This variant is present in population databases (rs375742092, gnomAD 0.02%). This variant has not been reported in the literature in individuals affected with KANK2-related conditions. ClinVar contains an entry for this variant (Variation ID: 2195507). An algorithm developed to predict the effect of missense changes on protein structure and function outputs the following: PolyPhen-2: "Benign". The glutamine amino acid residue is found in multiple mammalian species, which suggests that this missense change does not adversely affect protein function. In summary, the available evidence is currently insufficient to determine the role of this variant in disease. Therefore, it has been classified as a Variant of Uncertain Significance.

Ambry Genetics
Classification: Uncertain significance. Last evaluated: 2024-12-26. Review status: criteria provided, single submitter. Criteria: Ambry Variant Classification Scheme 2023. Collection method: clinical testing. Allele origin: germline.

NM_001136191.3(KANK2):c.1454G>A (p.Arg485Gln)

Gene: KANK2 (KN motif and ankyrin repeat domains 2; minus strand). Cytogenetic location: 19p13.2.
Variant type: single nucleotide variant.
Coding change: c.1454G>A on transcript NM_001136191.3 (MANE Select); coding-DNA position 1454, G replaced by A.
Protein change: p.Arg485Gln; replaces arginine 485 with glutamine.
Molecular consequence: missense variant.
Genome position (GRCh38, 1-based): chr19:11,178,411, C>T on the plus strand (G>A on the coding strand, the complement: KANK2 is on the minus strand). VCF-style: chr19-11178411-C-T. GRCh37 (hg19) VCF-style: chr19-11289087-C-T.
Other names: c.1478G>A (NM_015493.6); c.1454G>A, p.Arg485Gln (NM_001329451.2, NM_001379555.1, NM_001379556.1 and 7 more transcripts); c.1478G>A, p.Arg493Gln (NM_001379548.1, NM_001379549.1, NM_001379550.1 and 5 more transcripts); short protein forms R485Q, R493Q.
Identifiers: ClinVar variation 2195507 (VCV002195507.6), dbSNP rs375742092, ClinGen allele CA9205661.
Genomic context (GRCh38, chr19:11,178,411, plus strand): 5'-TTGACCCCCACGAACTGGAGGCTCCTCCGGTGGGCCGTGGGGTCTGCAACCTCCTCTTTC[C>T]GTTTCATGATAGATCGCACGCCTGCCGGGGGCCCGCCTGGAGGGGAGGACAGCGGAGGTG-3'
Protein context (NP_001129663.1, residues 475-495): PPAGVRSIMK[Arg485Gln]KEEVADPTAH